The following is an entry in ClinVar:

NM_015909.4(NBAS):c.3451C>A (p.Pro1151Thr)

Gene: NBAS (NBAS subunit of NRZ tethering complex; minus strand). Cytogenetic location: 2p24.3.
Variant type: single nucleotide variant.
Coding change: c.3451C>A on transcript NM_015909.4 (MANE Select); coding-DNA position 3451, C replaced by A.
Protein change: p.Pro1151Thr; replaces proline 1151 with threonine.
Molecular consequence: missense variant. On other transcripts: non-coding transcript variant (1).
Genome position (GRCh38, 1-based): chr2:15,379,741, G>T on the plus strand (C>A on the coding strand, the complement: NBAS is on the minus strand). VCF-style: chr2-15379741-G-T. GRCh37 (hg19) VCF-style: chr2-15519865-G-T.
Other names: short protein forms P1151T.
Identifiers: ClinVar variation 1716129 (VCV001716129.5), dbSNP rs1403685205, ClinGen allele CA345897245.

ClinVar aggregate classification (germline): Uncertain significance (1 of 4 stars; one submission).

Allele frequency attached by ClinVar (database versions not stated): gnomAD exomes below 0.00001; TOPMed below 0.00001.
gnomAD v4.1: 2 of 1,614,048 alleles (0.00012%); highest among the groups gnomAD compares: Non-Finnish European, 0.00017%; no homozygotes.

Submission:

Labcorp Genetics (formerly Invitae), Labcorp
Classification: Uncertain significance. Last evaluated: 2022-08-11. Review status: criteria provided, single submitter. Criteria: Invitae Variant Classification Sherloc (09022015). Collection method: clinical testing. Allele origin: germline.
Comment: In summary, the available evidence is currently insufficient to determine the role of this variant in disease. Therefore, it has been classified as a Variant of Uncertain Significance. Algorithms developed to predict the effect of missense changes on protein structure and function are either unavailable or do not agree on the potential impact of this missense change (SIFT: "Deleterious"; PolyPhen-2: "Benign"; Align-GVGD: "Class C35"). This variant has not been reported in the literature in individuals affected with NBAS-related conditions. This variant is not present in population databases (gnomAD no frequency). This sequence change replaces proline, which is neutral and non-polar, with threonine, which is neutral and polar, at codon 1151 of the NBAS protein (p.Pro1151Thr).